The following is an entry in ClinVar:

NM_033118.4(MYLK2):c.803C>T (p.Pro268Leu)

Gene: MYLK2 (myosin light chain kinase 2; plus strand). Cytogenetic location: 20q11.21.
Variant type: single nucleotide variant.
Coding change: c.803C>T on transcript NM_033118.4 (MANE Select); coding-DNA position 803, C replaced by T.
Protein change: p.Pro268Leu; replaces proline 268 with leucine.
Molecular consequence: missense variant.
Genome position (GRCh38, 1-based): chr20:31,823,507, C>T. VCF-style: chr20-31823507-C-T. GRCh37 (hg19) VCF-style: chr20-30411310-C-T.
Other names: short protein forms P268L.
Identifiers: ClinVar variation 834933 (VCV000834933.1), dbSNP rs372639122, ClinGen allele CA408526416.

ClinVar aggregate classification (germline): Uncertain significance (1 of 4 stars; one submission).

Conditions:
Hypertrophic cardiomyopathy 1 (CMH1). Also called: MYH7-Related Familial Hypertrophic Cardiomyopathy; Familial hypertrophic cardiomyopathy 1. Identifiers: MedGen C3495498, MONDO:0008647, OMIM 192600.

Submission:

Labcorp Genetics (formerly Invitae), Labcorp
Classification: Uncertain significance for Familial hypertrophic cardiomyopathy 1. Last evaluated: 2019-02-08. Review status: criteria provided, single submitter. Criteria: Invitae Variant Classification Sherloc (09022015). Collection method: clinical testing. Allele origin: germline.
Comment: This sequence change replaces proline with leucine at codon 268 of the MYLK2 protein (p.Pro268Leu). The proline residue is moderately conserved and there is a moderate physicochemical difference between proline and leucine. This variant is not present in population databases (ExAC no frequency). This variant has not been reported in the literature in individuals with MYLK2-related conditions. Algorithms developed to predict the effect of missense changes on protein structure and function are either unavailable or do not agree on the potential impact of this missense change (SIFT: "Deleterious"; PolyPhen-2: "Benign"; Align-GVGD: "Class C0"). In summary, the available evidence is currently insufficient to determine the role of this variant in disease. Therefore, it has been classified as a Variant of Uncertain Significance.